The following is an entry in ClinVar:

ClinVar aggregate classification (germline): Uncertain significance. Review status: criteria provided, multiple submitters, no conflicts (2 of 4 stars). 2 submissions from 2 submitters: Uncertain significance (2). Last evaluated 2026-04-28.

Conditions:
Cardiovascular phenotype. Identifiers: MedGen CN230736.
Long QT syndrome 6 (LQT6). Identifiers: Orphanet 101016, Orphanet 768, MedGen C3150953, MONDO:0013370, OMIM 613693.

Allele frequency attached by ClinVar (database versions not stated): gnomAD exomes 0.00001.
gnomAD v4.1: 19 of 1,614,074 alleles (0.0012%); highest among the groups gnomAD compares: Non-Finnish European, 0.0016%; no homozygotes.

Submissions (2):

Ambry Genetics
Classification: Uncertain significance for Cardiovascular phenotype. Last evaluated: 2026-04-28. Review status: criteria provided, single submitter. Criteria: Ambry Variant Classification Scheme 2023. Collection method: clinical testing. Allele origin: germline.
Comment: The p.T30I variant (also known as c.89C>T), located in coding exon 1 of the KCNE2 gene, results from a C to T substitution at nucleotide position 89. The threonine at codon 30 is replaced by isoleucine, an amino acid with similar properties. This amino acid position is not well conserved in available vertebrate species. In addition, this alteration is predicted to be tolerated by in silico analysis. The evidence for this gene-disease relationship is limited; therefore, the clinical significance of this variant is unclear.

Labcorp Genetics (formerly Invitae), Labcorp
Classification: Uncertain significance for Long QT syndrome 6. Last evaluated: 2021-06-11. Review status: criteria provided, single submitter. Criteria: Invitae Variant Classification Sherloc (09022015). Collection method: clinical testing. Allele origin: germline.
Comment: This sequence change replaces threonine with isoleucine at codon 30 of the KCNE2 protein (p.Thr30Ile). The threonine residue is highly conserved and there is a moderate physicochemical difference between threonine and isoleucine. This variant is not present in population databases (ExAC no frequency). This variant has not been reported in the literature in individuals with KCNE2-related conditions. Algorithms developed to predict the effect of missense changes on protein structure and function are either unavailable or do not agree on the potential impact of this missense change (SIFT: "Deleterious"; PolyPhen-2: "Benign"; Align-GVGD: "Class C0"). In summary, the available evidence is currently insufficient to determine the role of this variant in disease. Therefore, it has been classified as a Variant of Uncertain Significance.

NM_172201.2(KCNE2):c.89C>T (p.Thr30Ile)

Genes: KCNE2 (potassium voltage-gated channel subfamily E regulatory subunit 2; plus strand), LOC105372791 (uncharacterized LOC105372791; minus strand). Cytogenetic location: 21q22.11.
Variant type: single nucleotide variant.
Coding change: c.89C>T on transcript NM_172201.2 (MANE Select); coding-DNA position 89, C replaced by T.
Protein change: p.Thr30Ile; replaces threonine 30 with isoleucine.
Molecular consequence: missense variant.
Genome position (GRCh38, 1-based): chr21:34,370,567, C>T. VCF-style: chr21-34370567-C-T. GRCh37 (hg19) VCF-style: chr21-35742866-C-T.
Other names: c.89C>T (NM_172201.1); short protein forms T30I.
Identifiers: ClinVar variation 1485015 (VCV001485015.9), dbSNP rs772975913, ClinGen allele CA320365711.